The following is an entry in ClinVar:

ClinVar aggregate classification (germline): Conflicting classifications of pathogenicity. Review status: criteria provided, conflicting classifications (1 of 4 stars). 8 submissions from 6 submitters: Uncertain significance (4); Likely benign (3). 1 of the submissions does not count toward it. Last evaluated 2026-06-01.

Conditions:
ACTA1-related disorder. Also called: ACTA1-related condition.
Familial restrictive cardiomyopathy (RCM). Identifiers: Orphanet 217635, MedGen C0340429, MONDO:0016340.
Congenital myopathy with fiber type disproportion. Also called: Congenital fiber-type disproportion; Congenital fiber-type disproportion myopathy. Identifiers: Orphanet 2020, MedGen C0546264, MONDO:0009711. Inheritance: all.
Actin accumulation myopathy (CMYO2A). Also called: CONGENITAL MYOPATHY 2A, TYPICAL, AUTOSOMAL DOMINANT; Nemaline myopathy type 3; Myopathy, actin, congenital, with excess of thin myofilaments; Myopathy, actin, congenital, with cores; Nemaline myopathy 3, with intranuclear rods. Identifiers: Orphanet 98904, MedGen C3711389, MONDO:0008070, OMIM 161800.

Allele frequency attached by ClinVar (database versions not stated): gnomAD exomes 0.00005 and 0.00015; ExAC 0.00007; ESP Exome Variant Server 0.00008; TOPMed 0.00008; gnomAD 0.00009.

Submissions (8):

CeGaT Center for Human Genetics Tuebingen
Classification: Likely benign. Last evaluated: 2026-06-01. Review status: criteria provided, single submitter. Criteria: CeGaT Center For Human Genetics Tuebingen Variant Classification Criteria Version 2. Collection method: clinical testing. Allele origin: germline. Affected: yes. Observed: 1 variant allele.
Comment: ACTA1: BP4, BP7

Labcorp Genetics (formerly Invitae), Labcorp
Classification: Likely benign for Actin accumulation myopathy. Last evaluated: 2025-09-14. Review status: criteria provided, single submitter. Criteria: Invitae Variant Classification Sherloc (09022015). Collection method: clinical testing. Allele origin: germline.

Blueprint Genetics
Classification: Likely benign. Last evaluated: 2024-06-26. Review status: criteria provided, single submitter. Criteria: ACMG Guidelines, 2015. Collection method: clinical testing. Allele origin: germline.

Illumina Laboratory Services, Illumina
Classification: Uncertain significance for Familial restrictive cardiomyopathy. Last evaluated: 2017-04-27. Review status: criteria provided, single submitter. Criteria: ICSL Variant Classification Criteria 13 December 2019. Collection method: clinical testing. Allele origin: germline.

Illumina Laboratory Services, Illumina
Classification: Uncertain significance for Actin accumulation myopathy. Last evaluated: 2017-04-27. Review status: criteria provided, single submitter. Criteria: ICSL Variant Classification Criteria 13 December 2019. Collection method: clinical testing. Allele origin: germline.

Illumina Laboratory Services, Illumina
Classification: Uncertain significance for Congenital myopathy 4A, autosomal dominant. Last evaluated: 2017-04-27. Review status: criteria provided, single submitter. Criteria: ICSL Variant Classification Criteria 13 December 2019. Collection method: clinical testing. Allele origin: germline.

Genetic Services Laboratory, University of Chicago
Classification: Uncertain significance. Last evaluated: 2014-12-01. Review status: criteria provided, single submitter. Criteria: ACMG Guidelines, 2015. Collection method: clinical testing. Allele origin: germline.

PreventionGenetics, part of Exact Sciences
Classification: Likely benign for ACTA1-related condition. Last evaluated: 2019-11-26. Review status: no assertion criteria provided. Collection method: clinical testing. Allele origin: germline. Not counted in ClinVar's aggregate classification.
Comment: This variant is classified as likely benign based on ACMG/AMP sequence variant interpretation guidelines (Richards et al. 2015 PMID: 25741868, with internal and published modifications).

NM_001100.4(ACTA1):c.867C>T (p.Ile289=)

Gene: ACTA1 (actin alpha 1, skeletal muscle; minus strand). Cytogenetic location: 1q42.13.
Variant type: single nucleotide variant.
Coding change: c.867C>T on transcript NM_001100.4 (MANE Select); coding-DNA position 867, C replaced by T.
Protein change: p.Ile289=; no amino-acid change (isoleucine 289 retained).
Molecular consequence: synonymous variant.
Genome position (GRCh38, 1-based): chr1:229,431,844, G>A on the plus strand (C>T on the coding strand, the complement: ACTA1 is on the minus strand). VCF-style: chr1-229431844-G-A. GRCh37 (hg19) VCF-style: chr1-229567591-G-A.
Identifiers: ClinVar variation 210091 (VCV000210091.25), dbSNP rs140074813, ClinGen allele CA208117.
Genomic context (GRCh38, chr1:229,431,844, plus strand): 5'-AGGGTACATCGTGGTGCCCCCCGACATGACGTTGTTGGCATACAGGTCCTTCCTGATGTC[G>A]ATGTCACACTTCATGATGCTGTTGTAGGTGGTCTCGTGAATGCCCGCCGACTCCATACCT-3'
Protein context (NP_001091.1, residues 279-299): TTYNSIMKCD[Ile289=]DIRKDLYANN